The following is an entry in ClinVar:

ClinVar aggregate classification (germline): Uncertain significance (1 of 4 stars; one submission).

Conditions:
Cardiovascular phenotype. Identifiers: MedGen CN230736.

gnomAD v4.1: 1 of 1,614,138 alleles (0.000062%); highest among the groups gnomAD compares: Non-Finnish European, 0.000085%; no homozygotes.

Submission:

Ambry Genetics
Classification: Uncertain significance for Cardiovascular phenotype. Last evaluated: 2026-08-23. Review status: criteria provided, single submitter. Criteria: Ambry Variant Classification Scheme 2023. Collection method: clinical testing. Allele origin: germline.
Comment: The p.G158W variant (also known as c.472G>T), located in coding exon 4 of the PTPN11 gene, results from a G to T substitution at nucleotide position 472. The glycine at codon 158 is replaced by tryptophan, an amino acid with highly dissimilar properties. This amino acid position is conserved. In addition, the in silico prediction for this alteration is inconclusive. Based on the available evidence, the clinical significance of this variant remains unclear.

NM_002834.5(PTPN11):c.472G>T (p.Gly158Trp)

Gene: PTPN11 (protein tyrosine phosphatase non-receptor type 11; plus strand). Cytogenetic location: 12q24.13.
Variant type: single nucleotide variant.
Coding change: c.472G>T on transcript NM_002834.5 (MANE Select); coding-DNA position 472, G replaced by T.
Protein change: p.Gly158Trp; replaces glycine 158 with tryptophan.
Molecular consequence: missense variant.
Genome position (GRCh38, 1-based): chr12:112,453,334, G>T. VCF-style: chr12-112453334-G-T. GRCh37 (hg19) VCF-style: chr12-112891138-G-T.
Other names: c.472G>T, p.Gly158Trp (NM_001330437.2, NM_080601.3); c.469G>T, p.Gly157Trp (NM_001374625.1); short protein forms G157W, G158W.
Identifiers: ClinVar variation 5027641 (VCV005027641.1).
Genomic context (GRCh38, chr12:112,453,334, plus strand): 5'-CGAGAGAGCCAGAGCCACCCTGGAGATTTTGTTCTTTCTGTGCGCACTGGTGATGACAAA[G>T]GGGAGAGCAATGACGGCAAGTCTAAAGTGACCCATGTTATGATTCGCTGTCAGGTAAATC-3'
Protein context (NP_002825.3, residues 148-168): VLSVRTGDDK[Gly158Trp]ESNDGKSKVT